The following is an entry in ClinVar:

ClinVar aggregate classification (germline): Uncertain significance (1 of 4 stars; one submission).

Conditions:
TTN-related disorder. Also called: TTN-related condition; TTN-related disease; TTN-related disorders.

gnomAD v4.1: 2 of 1,613,220 alleles (0.00012%); highest among the groups gnomAD compares: Non-Finnish European, 0.00017%; no homozygotes.

Submission:

PreventionGenetics, part of Exact Sciences
Classification: Uncertain significance for TTN-related condition. Last evaluated: 2023-06-30. Review status: criteria provided, single submitter. Criteria: ACMG Guidelines, 2015. Collection method: clinical testing. Allele origin: germline.
Comment: The TTN c.44050G>A variant is predicted to result in the amino acid substitution p.Val14684Met. To our knowledge, this variant has not been reported in the literature or in a large population database, indicating this variant is rare. At this time, the clinical significance of this variant is uncertain due to the absence of conclusive functional and genetic evidence.

NM_001267550.2(TTN):c.44050G>A (p.Val14684Met)

Gene: TTN (titin; minus strand). Cytogenetic location: 2q31.2.
Variant type: single nucleotide variant.
Coding change: c.44050G>A on transcript NM_001267550.2 (MANE Select); coding-DNA position 44050, G replaced by A.
Protein change: p.Val14684Met; replaces valine 14684 with methionine.
Molecular consequence: missense variant.
Genome position (GRCh38, 1-based): chr2:178,630,908, C>T on the plus strand (G>A on the coding strand, the complement: TTN is on the minus strand). VCF-style: chr2-178630908-C-T. GRCh37 (hg19) VCF-style: chr2-179495635-C-T.
Other names: c.39127G>A, p.Val13043Met (NM_001256850.1); c.16855G>A, p.Val5619Met (NM_003319.4); c.36346G>A, p.Val12116Met (NM_133378.4); c.17230G>A, p.Val5744Met (NM_133432.3); c.17431G>A, p.Val5811Met (NM_133437.4); short protein forms V12116M, V13043M, V14684M, V5619M, V5744M, V5811M.
Identifiers: ClinVar variation 2631323 (VCV002631323.1), dbSNP rs2059719746, ClinGen allele CA349646277.